The following is an entry in ClinVar:

NM_005235.3(ERBB4):c.3464G>A (p.Arg1155Gln)

Gene: ERBB4 (erb-b2 receptor tyrosine kinase 4; minus strand). Cytogenetic location: 2q34.
Variant type: single nucleotide variant.
Coding change: c.3464G>A on transcript NM_005235.3 (MANE Select); coding-DNA position 3464, G replaced by A.
Protein change: p.Arg1155Gln; replaces arginine 1155 with glutamine.
Molecular consequence: missense variant.
Genome position (GRCh38, 1-based): chr2:211,386,870, C>T on the plus strand (G>A on the coding strand, the complement: ERBB4 is on the minus strand). VCF-style: chr2-211386870-C-T. GRCh37 (hg19) VCF-style: chr2-212251595-C-T.
Other names: c.3416G>A, p.Arg1139Gln (NM_001042599.2); short protein forms R1139Q, R1155Q.
Identifiers: ClinVar variation 2974164 (VCV002974164.3), dbSNP rs1044752647, ClinGen allele CA65138696.

ClinVar aggregate classification (germline): Uncertain significance (1 of 4 stars; one submission).

Allele frequency attached by ClinVar (database versions not stated): gnomAD 0.00003.
gnomAD v4.1: 23 of 1,613,984 alleles (0.0014%); highest among the groups gnomAD compares: Middle Eastern, 0.016%; no homozygotes.

Submission:

Labcorp Genetics (formerly Invitae), Labcorp
Classification: Uncertain significance. Last evaluated: 2025-10-21. Review status: criteria provided, single submitter. Criteria: Invitae Variant Classification Sherloc (09022015). Collection method: clinical testing. Allele origin: germline.
Comment: This sequence change replaces arginine, which is basic and polar, with glutamine, which is neutral and polar, at codon 1155 of the ERBB4 protein (p.Arg1155Gln). This variant is present in population databases (no rsID available, gnomAD 0.002%). This missense change has been observed in individual(s) with amyotrophic lateral sclerosis (PMID: 37952009). ClinVar contains an entry for this variant (Variation ID: 2974164). An algorithm developed to predict the effect of missense changes on protein structure and function (PolyPhen-2) suggests that this variant is likely to be tolerated. In summary, the available evidence is currently insufficient to determine the role of this variant in disease. Therefore, it has been classified as a Variant of Uncertain Significance.

Literature cited by the submitters: PubMed 37952009.